The following is an entry in ClinVar:

ClinVar aggregate classification (germline): Benign/Likely benign. Review status: criteria provided, multiple submitters, no conflicts (2 of 4 stars). 3 submissions from 3 submitters: Benign (1); Likely benign (2). Last evaluated 2026-04-20.

Conditions:
DICER1-related tumor predisposition. Also called: DICER1 syndrome; DICER1-related pleuropulmonary blastoma cancer predisposition syndrome. Identifiers: Orphanet 284343, MedGen C3839822, MONDO:0100216.
Hereditary cancer-predisposing syndrome. Also called: Neoplastic Syndromes, Hereditary; Tumor predisposition; Hereditary Cancer Syndrome; Hereditary neoplastic syndrome. Identifiers: Orphanet 140162, MedGen C0027672, MeSH D009386, MONDO:0015356.

Allele frequency attached by ClinVar (database versions not stated): gnomAD 0.00001; 1000 Genomes Project 30x 0.00016.
gnomAD v4.1: 1 of 1,613,994 alleles (0.000062%); highest among the groups gnomAD compares: African/African-American, 0.0013%; no homozygotes.

Submissions (3):

Myriad Genetics, Inc.
Classification: Benign for DICER1-related tumor predisposition. Last evaluated: 2026-04-20. Review status: criteria provided, single submitter. Criteria: Myriad Autosomal Dominant, Autosomal Recessive and X-Linked Classification Criteria (2023). Collection method: clinical testing. Allele origin: unknown.
Comment: This variant is considered benign. This variant is a silent/synonymous amino acid change and it is not expected to impact splicing.

Labcorp Genetics (formerly Invitae), Labcorp
Classification: Likely benign for DICER1-related tumor predisposition. Last evaluated: 2024-01-28. Review status: criteria provided, single submitter. Criteria: Invitae Variant Classification Sherloc (09022015). Collection method: clinical testing. Allele origin: germline.

Ambry Genetics
Classification: Likely benign for Hereditary cancer-predisposing syndrome. Last evaluated: 2024-01-27. Review status: criteria provided, single submitter. Criteria: Ambry Variant Classification Scheme 2023. Collection method: clinical testing. Allele origin: germline.

NM_177438.3(DICER1):c.4422C>T (p.Thr1474=)

Gene: DICER1 (dicer 1, ribonuclease III; minus strand). Cytogenetic location: 14q32.13.
Variant type: single nucleotide variant.
Coding change: c.4422C>T on transcript NM_177438.3 (MANE Select); coding-DNA position 4422, C replaced by T.
Protein change: p.Thr1474=; no amino-acid change (threonine 1474 retained).
Molecular consequence: synonymous variant.
Genome position (GRCh38, 1-based): chr14:95,096,498, G>A on the plus strand (C>T on the coding strand, the complement: DICER1 is on the minus strand). VCF-style: chr14-95096498-G-A. GRCh37 (hg19) VCF-style: chr14-95562835-G-A.
Other names: c.4422C>T, p.Thr1474= (NM_001195573.1, NM_001271282.3, NM_001291628.2 and 1 more transcripts); c.4422C>T (NM_177438.2).
Identifiers: ClinVar variation 1141447 (VCV001141447.12), dbSNP rs1595341579, ClinGen allele CA487844044.